The following is an entry in ClinVar:

ClinVar aggregate classification (germline): Uncertain significance (1 of 4 stars; one submission).

Submission:

Labcorp Genetics (formerly Invitae), Labcorp
Classification: Uncertain significance. Last evaluated: 2025-04-22. Review status: criteria provided, single submitter. Criteria: Invitae Variant Classification Sherloc (09022015). Collection method: clinical testing. Allele origin: germline.
Comment: This sequence change replaces glutamic acid, which is acidic and polar, with lysine, which is basic and polar, at codon 270 of the DSG1 protein (p.Glu270Lys). This variant is not present in population databases (gnomAD no frequency). This variant has not been reported in the literature in individuals affected with DSG1-related conditions. ClinVar contains an entry for this variant (Variation ID: 3679888). Invitae Evidence Modeling of protein sequence and biophysical properties (such as structural, functional, and spatial information, amino acid conservation, physicochemical variation, residue mobility, and thermodynamic stability) indicates that this missense variant is not expected to disrupt DSG1 protein function with a negative predictive value of 80%. In summary, the available evidence is currently insufficient to determine the role of this variant in disease. Therefore, it has been classified as a Variant of Uncertain Significance.

NM_001942.4(DSG1):c.808G>A (p.Glu270Lys)

Gene: DSG1 (desmoglein 1; plus strand). Cytogenetic location: 18q12.1.
Variant type: single nucleotide variant.
Coding change: c.808G>A on transcript NM_001942.4 (MANE Select); coding-DNA position 808, G replaced by A.
Protein change: p.Glu270Lys; replaces glutamic acid 270 with lysine.
Molecular consequence: missense variant.
Genome position (GRCh38, 1-based): chr18:31,333,712, G>A. VCF-style: chr18-31333712-G-A. GRCh37 (hg19) VCF-style: chr18-28913675-G-A.
Other names: short protein forms E270K.
Identifiers: ClinVar variation 3679888 (VCV003679888.2).
Genomic context (GRCh38, chr18:31,333,712, plus strand): 5'-TCAGCGGAATGTGAGTGCAACATTAAAATCCTCGATGTCAATGATAATATCCCTTACATG[G>A]AACAGTCTTCAGTAAGTATTTGTTCTTGGAATTAATAAATCTAAATTCGCTATATTCTAA-3'
Protein context (NP_001933.2, residues 260-280): LDVNDNIPYM[Glu270Lys]QSSYTIEIQE